The following is an entry in ClinVar:

NM_000268.4(NF2):c.22C>T (p.Arg8Cys)

Gene: NF2 (NF2, moesin-ezrin-radixin like (MERLIN) tumor suppressor; plus strand). Cytogenetic location: 22q12.2.
Variant type: single nucleotide variant.
Coding change: c.22C>T on transcript NM_000268.4 (MANE Select); coding-DNA position 22, C replaced by T.
Protein change: p.Arg8Cys; replaces arginine 8 with cysteine.
Molecular consequence: missense variant. On other transcripts: non-coding transcript variant (1).
Genome position (GRCh38, 1-based): chr22:29,604,020, C>T. VCF-style: chr22-29604020-C-T. GRCh37 (hg19) VCF-style: chr22-30000009-C-T.
Other names: c.22C>T, p.Arg8Cys (NM_016418.5, NM_181825.3, NM_181828.3 and 5 more transcripts); short protein forms R8C.
Identifiers: ClinVar variation 1036118 (VCV001036118.9), dbSNP rs868416935, ClinGen allele CA411145791.

ClinVar aggregate classification (germline): Uncertain significance (1 of 4 stars; one submission).

Conditions:
Neurofibromatosis, type 2 (SWNV). Also called: BILATERAL ACOUSTIC NEUROFIBROMATOSIS; NF2-Related Schwannomatosis; SCHWANNOMATOSIS, VESTIBULAR. Identifiers: Orphanet 637, MedGen C0027832, MONDO:0007039, OMIM 101000. Disease mechanism: loss of function.

Submission:

Labcorp Genetics (formerly Invitae), Labcorp
Classification: Uncertain significance for Neurofibromatosis, type 2. Last evaluated: 2020-08-26. Review status: criteria provided, single submitter. Criteria: Invitae Variant Classification Sherloc (09022015). Collection method: clinical testing. Allele origin: germline.
Comment: This sequence change replaces arginine with cysteine at codon 8 of the NF2 protein (p.Arg8Cys). The arginine residue is moderately conserved and there is a large physicochemical difference between arginine and cysteine. This variant is not present in population databases (ExAC no frequency). This variant has not been reported in the literature in individuals with NF2-related conditions. Algorithms developed to predict the effect of missense changes on protein structure and function are either unavailable or do not agree on the potential impact of this missense change (SIFT: "Deleterious"; PolyPhen-2: "Possibly Damaging"; Align-GVGD: "Class C0"). In summary, the available evidence is currently insufficient to determine the role of this variant in disease. Therefore, it has been classified as a Variant of Uncertain Significance.